The following is an entry in ClinVar:

NM_001130438.3(SPTAN1):c.3097G>A (p.Glu1033Lys)

Gene: SPTAN1 (spectrin alpha, non-erythrocytic 1; plus strand). Cytogenetic location: 9q34.11.
Variant type: single nucleotide variant.
Coding change: c.3097G>A on transcript NM_001130438.3 (MANE Select); coding-DNA position 3097, G replaced by A.
Protein change: p.Glu1033Lys; replaces glutamic acid 1033 with lysine.
Molecular consequence: missense variant.
Genome position (GRCh38, 1-based): chr9:128,591,567, G>A. VCF-style: chr9-128591567-G-A. GRCh37 (hg19) VCF-style: chr9-131353846-G-A.
Other names: c.3133G>A, p.Glu1045Lys (NM_001375318.1, NM_001375312.2); c.3097G>A, p.Glu1033Lys (NM_003127.4, NM_001195532.2, NM_001363759.2 and 5 more transcripts); short protein forms E1045K, E1033K.
Identifiers: ClinVar variation 2693298 (VCV002693298.3), dbSNP rs2541400774, ClinGen allele CA375060416.

ClinVar aggregate classification (germline): Uncertain significance (1 of 4 stars; one submission).

Conditions:
Early-infantile DEE. Also called: Ohtahara syndrome; Early infantile epileptic encephalopathy with suppression bursts; Early infantile epileptic encephalopathy. Identifiers: Orphanet 1934, MedGen C0393706, MONDO:0800491.

Allele frequency attached by ClinVar (database versions not stated): gnomAD exomes below 0.00001.
gnomAD v4.1: 1 of 1,614,182 alleles (0.000062%); highest among the groups gnomAD compares: Non-Finnish European, 0.000085%; no homozygotes.

Submission:

Labcorp Genetics (formerly Invitae), Labcorp
Classification: Uncertain significance for Early-infantile DEE. Last evaluated: 2023-11-13. Review status: criteria provided, single submitter. Criteria: Invitae Variant Classification Sherloc (09022015). Collection method: clinical testing. Allele origin: germline.
Comment: This sequence change replaces glutamic acid, which is acidic and polar, with lysine, which is basic and polar, at codon 1033 of the SPTAN1 protein (p.Glu1033Lys). This variant is not present in population databases (gnomAD no frequency). This variant has not been reported in the literature in individuals affected with SPTAN1-related conditions. Advanced modeling of protein sequence and biophysical properties (such as structural, functional, and spatial information, amino acid conservation, physicochemical variation, residue mobility, and thermodynamic stability) has been performed at Invitae for this missense variant, however the output from this modeling did not meet the statistical confidence thresholds required to predict the impact of this variant on SPTAN1 protein function. In summary, the available evidence is currently insufficient to determine the role of this variant in disease. Therefore, it has been classified as a Variant of Uncertain Significance.